The following is an entry in ClinVar:

NM_001184.4(ATR):c.671G>A (p.Arg224Lys)

Gene: ATR (ATR checkpoint kinase; minus strand). Cytogenetic location: 3q23.
Variant type: single nucleotide variant.
Coding change: c.671G>A on transcript NM_001184.4 (MANE Select); coding-DNA position 671, G replaced by A.
Protein change: p.Arg224Lys; replaces arginine 224 with lysine.
Molecular consequence: missense variant.
Genome position (GRCh38, 1-based): chr3:142,562,731, C>T on the plus strand (G>A on the coding strand, the complement: ATR is on the minus strand). VCF-style: chr3-142562731-C-T. GRCh37 (hg19) VCF-style: chr3-142281573-C-T.
Other names: c.671G>A, p.Arg224Lys (NM_001354579.2); short protein forms R224K.
Identifiers: ClinVar variation 1463547 (VCV001463547.9), dbSNP rs771711234, ClinGen allele CA2650736.

ClinVar aggregate classification (germline): Uncertain significance. Review status: criteria provided, multiple submitters, no conflicts (2 of 4 stars). 4 submissions from 3 submitters: Uncertain significance (4). Last evaluated 2025-05-06.

Conditions:
Seckel syndrome 1 (SCKL1). Also called: MICROCEPHALIC PRIMORDIAL DWARFISM I. Identifiers: Orphanet 808, MedGen C4551474, MONDO:0008869, OMIM 210600.
Inborn genetic diseases. Identifiers: MedGen C0950123, MeSH D030342.
Familial cutaneous telangiectasia and oropharyngeal predisposition cancer syndrome. Identifiers: Orphanet 313846, MedGen C3281203, MONDO:0013806, OMIM 614564.

Allele frequency attached by ClinVar (database versions not stated): gnomAD exomes below 0.00001 and 0.00001; TOPMed below 0.00001; ExAC 0.00001.
gnomAD v4.1: 2 of 1,613,638 alleles (0.00012%); highest among the groups gnomAD compares: Admixed American, 0.0033%; no homozygotes.

Submissions (4):

Labcorp Genetics (formerly Invitae), Labcorp
Classification: Uncertain significance. Last evaluated: 2025-05-06. Review status: criteria provided, single submitter. Criteria: Invitae Variant Classification Sherloc (09022015). Collection method: clinical testing. Allele origin: germline.
Comment: This sequence change replaces arginine, which is basic and polar, with lysine, which is basic and polar, at codon 224 of the ATR protein (p.Arg224Lys). This variant is present in population databases (rs771711234, gnomAD 0.006%). This variant has not been reported in the literature in individuals affected with ATR-related conditions. ClinVar contains an entry for this variant (Variation ID: 1463547). An algorithm developed to predict the effect of missense changes on protein structure and function (PolyPhen-2) suggests that this variant is likely to be tolerated. In summary, the available evidence is currently insufficient to determine the role of this variant in disease. Therefore, it has been classified as a Variant of Uncertain Significance.

Genome-Nilou Lab
Classification: Uncertain significance for Seckel syndrome 1. Last evaluated: 2023-02-08. Review status: criteria provided, single submitter. Criteria: ACMG Guidelines, 2015. Collection method: clinical testing. Allele origin: germline.

Genome-Nilou Lab
Classification: Uncertain significance for Familial cutaneous telangiectasia and oropharyngeal predisposition cancer syndrome. Last evaluated: 2023-02-08. Review status: criteria provided, single submitter. Criteria: ACMG Guidelines, 2015. Collection method: clinical testing. Allele origin: germline.

Ambry Genetics
Classification: Uncertain significance for Inborn genetic diseases. Last evaluated: 2022-07-17. Review status: criteria provided, single submitter. Criteria: Ambry Variant Classification Scheme 2023. Collection method: clinical testing. Allele origin: germline.
Comment: The p.R224K variant (also known as c.671G>A), located in coding exon 4 of the ATR gene, results from a G to A substitution at nucleotide position 671. The arginine at codon 224 is replaced by lysine, an amino acid with highly similar properties. This amino acid position is conserved. In addition, the in silico prediction for this alteration is inconclusive. Since supporting evidence is limited at this time, the clinical significance of this alteration remains unclear.